The following is an entry in ClinVar:

ClinVar aggregate classification (germline): Benign (1 of 4 stars; one submission).

Conditions:
Tuberous sclerosis 2 (TSC2). Identifiers: Orphanet 805, MedGen C1860707, MONDO:0013199, OMIM 613254.

Submission:

Myriad Genetics, Inc.
Classification: Benign for Tuberous sclerosis 2. Last evaluated: 2025-05-02. Review status: criteria provided, single submitter. Criteria: Myriad Autosomal Dominant, Autosomal Recessive and X-Linked Classification Criteria (2023). Collection method: clinical testing. Allele origin: unknown.
Comment: This variant is considered benign. This variant is a silent/synonymous amino acid change and it is not expected to impact splicing.

NM_000548.5(TSC2):c.210C>T (p.Thr70=)

Gene: TSC2 (TSC complex subunit 2; plus strand). Cytogenetic location: 16p13.3.
Variant type: single nucleotide variant.
Coding change: c.210C>T on transcript NM_000548.5 (MANE Select); coding-DNA position 210, C replaced by T.
Protein change: p.Thr70=; no amino-acid change (threonine 70 retained).
Molecular consequence: synonymous variant. On other transcripts: non-coding transcript variant (5), 5 prime UTR variant (20).
Genome position (GRCh38, 1-based): chr16:2,050,471, C>T. VCF-style: chr16-2050471-C-T. GRCh37 (hg19) VCF-style: chr16-2100472-C-T.
Other names: c.210C>T, p.Thr70= (NM_021055.3, NM_001077183.3, NM_001114382.3 and 13 more transcripts); c.63C>T, p.Thr21= (NM_001318829.2, NM_001406675.1, NM_001406676.1 and 2 more transcripts); c.-17C>T (NM_001318831.2, NM_001406682.1, NM_001406684.1 and 3 more transcripts); c.243C>T, p.Thr81= (NM_001318832.2); c.-607C>T (NM_001406680.1, NM_001406683.1, NM_001406687.1); c.-236C>T (NM_001406681.1); c.-1222C>T (NM_001406689.1, NM_001406690.1, NM_001406691.1 and 2 more transcripts); c.-1528C>T (NM_001406693.1); and 3 more.
Identifiers: ClinVar variation 4071245 (VCV004071245.1).